The following is an entry in ClinVar:

NM_001846.4(COL4A2):c.-277A>C

Genes: COL4A1 (collagen type IV alpha 1 chain; minus strand), COL4A2 (collagen type IV alpha 2 chain; plus strand). Cytogenetic location: 13q34.
Variant type: single nucleotide variant.
Coding change: c.-277A>C on transcript NM_001846.4 (MANE Select); 277 bases upstream of the start codon, A replaced by C.
Molecular consequence: 5 prime UTR variant.
Genome position (GRCh38, 1-based): chr13:110,307,296, A>C. VCF-style: chr13-110307296-A-C. GRCh37 (hg19) VCF-style: chr13-110959643-A-C.
Identifiers: ClinVar variation 311089 (VCV000311089.11), dbSNP rs7989823, ClinGen allele CA10642819.
Genomic context (GRCh38, chr13:110,307,296, plus strand): 5'-GGAGGACCCTGCGGCGCGGGTAAGAGGCGGCGGGAGCGCGCGGCCCGGGAGTGTGGCTGC[A>C]GTGCGCCGGGACACCAGGGCTCCGCGCTCCGCACTCAAGAGGCTCCCGCGTCCCAACCCC-3'

ClinVar aggregate classification (germline): Benign. Review status: criteria provided, multiple submitters, no conflicts (2 of 4 stars). 3 submissions from 3 submitters: Benign (3). Last evaluated 2021-05-10.

Conditions:
Brain small vessel disease 2A, autosomal dominant. Also called: Porencephaly 2. Identifiers: Orphanet 2940, Orphanet 99810, MedGen C3280970, MONDO:0013773, OMIM 614483.

Allele frequency attached by ClinVar (database versions not stated): 1000 Genomes Project 0.61502; 1000 Genomes Project 30x 0.62758; gnomAD 0.63352; TOPMed 0.63551.
gnomAD v4.1: 227,450 of 371,128 alleles (61%); highest among the groups gnomAD compares: African/African-American, 70%; 70,063 homozygotes.

Submissions (3):

GeneDx
Classification: Benign. Last evaluated: 2021-05-10. Review status: criteria provided, single submitter. Criteria: GeneDx Variant Classification Process June 2021. Collection method: clinical testing. Allele origin: germline. Affected: yes.

Illumina Laboratory Services, Illumina
Classification: Benign for Brain small vessel disease 2A, autosomal dominant. Last evaluated: 2018-01-12. Review status: criteria provided, single submitter. Criteria: ICSL Variant Classification Criteria 13 December 2019. Collection method: clinical testing. Allele origin: germline.
Comment: This variant was observed in the ICSL laboratory as part of a predisposition screen in an ostensibly healthy population. It had not been previously curated by ICSL or reported in the Human Gene Mutation Database (HGMD: prior to June 1st, 2018), and was therefore a candidate for classification through an automated scoring system. Utilizing variant allele frequency, disease prevalence and penetrance estimates, and inheritance mode, an automated score was calculated to assess if this variant is too frequent to cause the disease. Based on the score and internal cut-off values, a variant classified as benign is not then subjected to further curation. The score for this variant resulted in a classification of benign for this disease.

Breakthrough Genomics
Classification: Benign. Review status: criteria provided, single submitter. Criteria: ACMG Guidelines, 2015. Collection method: not provided. Allele origin: germline. Inheritance: Autosomal dominant inheritance. Affected: yes.